The following is an entry in ClinVar:

NM_005334.3(HCFC1):c.4983_4988del (p.Val1662_Thr1663del)

Gene: HCFC1 (host cell factor C1; minus strand). Cytogenetic location: Xq28.
Variant type: Deletion.
Coding change: c.4983_4988del on transcript NM_005334.3 (MANE Select); coding-DNA positions 4983 to 4988, 6 bases deleted (CGTGAC; older notation c.4983_4988delCGTGAC).
Protein change: p.Val1662_Thr1663del.
Molecular consequence: inframe deletion.
Genome position (GRCh38, 1-based): chrX:153,952,113-153,952,118, GTCACG deleted on the plus strand (CGTGAC on the coding strand, the reverse complement: HCFC1 is on the minus strand); deleting any 6 consecutive bases within chrX:153,952,113-153,952,120 gives the same sequence; the c. name uses the placement nearest the transcript's 3' end. VCF-style (leftmost placement, unchanged base first): chrX-153952112-AGTCACG-A. GRCh37 (hg19) VCF-style: chrX-153217563-AGTCACG-A.
Other names: c.4983_4988del (NM_005334.2).
Identifiers: ClinVar variation 503794 (VCV000503794.52), dbSNP rs1275942023, ClinGen allele CA645289615.
Genomic context (GRCh38, chrX:153,952,112, plus strand): 5'-GGGTATGGTGGTGGCCTGGCCCTCCTGACCCTCGGCCGACAGGTGCCCCAGCTCCGCCTG[AGTCACG>A]GTTGCTGCTGCCTCGGAGGTGTCCATGGGCTCGCCGGTGCCTGCTCCAGGGTCGAGAGAA-3'

ClinVar aggregate classification (germline): Uncertain significance. Review status: criteria provided, multiple submitters, no conflicts (2 of 4 stars). 7 submissions from 7 submitters: Uncertain significance (7). Last evaluated 2025-08-12.

Conditions:
Inborn genetic diseases. Identifiers: MedGen C0950123, MeSH D030342.
Methylmalonic acidemia with homocystinuria, type cblX (MAHCX). Also called: INTELLECTUAL DEVELOPMENTAL DISORDER, X-LINKED 3. Identifiers: Orphanet 369962, MedGen C0796208, MONDO:0010657, OMIM 309541.

Submissions (7):

GeneDx
Classification: Uncertain significance. Last evaluated: 2025-08-12. Review status: criteria provided, single submitter. Criteria: GeneDx Variant Classification Process June 2021. Collection method: clinical testing. Allele origin: germline. Affected: yes.
Comment: Not observed at significant frequency in large population cohorts (gnomAD); In-frame deletion of 2 amino acids in a non-repeat region; In silico analysis indicates that this variant does not alter protein structure/function; Has not been previously published as pathogenic or benign to our knowledge

Blueprint Genetics
Classification: Uncertain significance. Last evaluated: 2024-09-23. Review status: criteria provided, single submitter. Criteria: ACMG Guidelines, 2015. Collection method: clinical testing. Allele origin: germline.

Ambry Genetics
Classification: Uncertain significance for Inborn genetic diseases. Last evaluated: 2022-10-18. Review status: criteria provided, single submitter. Criteria: Ambry Variant Classification Scheme 2023. Collection method: clinical testing. Allele origin: germline.
Comment: The c.4983_4988delCGTGAC (p.V1662_T1663del) alteration is located in exon 20 (coding exon 20) of the HCFC1 gene. This alteration consists of an in-frame deletion of 6 nucleotides between nucleotide positions c.4983 and c.4988, resulting in the deletion of 2 residues. Based on insufficient or conflicting evidence, the clinical significance of this alteration remains unclear.

Labcorp Genetics (formerly Invitae), Labcorp
Classification: Uncertain significance for Methylmalonic acidemia with homocystinuria, type cblX. Last evaluated: 2021-09-17. Review status: criteria provided, single submitter. Criteria: Invitae Variant Classification Sherloc (09022015). Collection method: clinical testing. Allele origin: germline.
Comment: This variant, c.4983_4988del, results in the deletion of 2 amino acid(s) of the HCFC1 protein (p.Val1662_Thr1663del), but otherwise preserves the integrity of the reading frame. The frequency data for this variant in the population databases is considered unreliable, as metrics indicate insufficient coverage at this position in the ExAC database. This variant has not been reported in the literature in individuals affected with HCFC1-related conditions. ClinVar contains an entry for this variant (Variation ID: 503794). Experimental studies and prediction algorithms are not available or were not evaluated, and the functional significance of this variant is currently unknown. In summary, the available evidence is currently insufficient to determine the role of this variant in disease. Therefore, it has been classified as a Variant of Uncertain Significance.

CeGaT Center for Human Genetics Tuebingen
Classification: Uncertain significance. Last evaluated: 2019-02-01. Review status: criteria provided, single submitter. Criteria: CeGaT Center For Human Genetics Tuebingen Variant Classification Criteria Version 2. Collection method: clinical testing. Allele origin: germline. Affected: yes. Observed: 1 variant allele.

Institute of Human Genetics, University of Leipzig Medical Center
Classification: Uncertain significance for Methylmalonic acidemia with homocystinuria, type cblX. Last evaluated: 2019-01-01. Review status: criteria provided, single submitter. Criteria: ACMG Guidelines, 2015. Collection method: clinical testing. Allele origin: unknown. Affected: yes.

Breakthrough Genomics
Classification: Uncertain significance. Review status: criteria provided, single submitter. Criteria: ACMG Guidelines, 2015. Collection method: not provided. Allele origin: germline. Inheritance: X-linked recessive inheritance. Affected: yes.